The following is an entry in ClinVar:

NC_000002.12:g.121531009del

Genes: CLASP1 (cytoplasmic linker associated protein 1; minus strand), CLASP1-AS1 (CLASP1 antisense RNA 1; plus strand), RNU4ATAC (RNA, U4atac small nuclear; plus strand). Cytogenetic location: 2q14.2.
Variant type: Deletion.
Molecular consequence: intron variant (on NM_001395891.1).
Genome position: GRCh38 VCF-style: chr2-121531008-AT-A. GRCh37 (hg19) VCF-style: chr2-122288584-AT-A.
Other names: c.196-684del (NM_001142274.2, NM_015282.3, NM_001378003.1 and 5 more transcripts).
Identifiers: ClinVar variation 2013493 (VCV002013493.4), dbSNP rs2470343654, ClinGen allele CA2580063772.

ClinVar aggregate classification (germline): Uncertain significance (1 of 4 stars; one submission).

Submission:

Labcorp Genetics (formerly Invitae), Labcorp
Classification: Uncertain significance. Last evaluated: 2022-07-03. Review status: criteria provided, single submitter. Criteria: Invitae Variant Classification Sherloc (09022015). Collection method: clinical testing. Allele origin: germline.
Comment: In summary, the available evidence is currently insufficient to determine the role of this variant in disease. Therefore, it has been classified as a Variant of Uncertain Significance. Experimental studies and prediction algorithms are not available or were not evaluated, and the functional significance of this variant is currently unknown. This variant has not been reported in the literature in individuals affected with RNU4ATAC-related conditions. This variant is not present in population databases (gnomAD no frequency). This variant occurs in the RNU4ATAC gene, which encodes an RNA molecule that does not result in a protein product.